The following is an entry in ClinVar:

ClinVar aggregate classification (germline): Uncertain significance (1 of 4 stars; one submission).

Submission:

GeneDx
Classification: Uncertain significance. Last evaluated: 2020-02-10. Review status: criteria provided, single submitter. Criteria: GeneDx Variant Classification Process June 2021. Collection method: clinical testing. Allele origin: germline. Affected: yes.
Comment: Has not been previously published as pathogenic or benign to our knowledge; Not observed in large population cohorts (Lek et al., 2016); In silico analysis supports that this missense variant has a deleterious effect on protein structure/function

NM_000256.3(MYBPC3):c.3415G>T (p.Val1139Phe)

Gene: MYBPC3 (myosin binding protein C3; minus strand). Cytogenetic location: 11p11.2.
Variant type: single nucleotide variant.
Coding change: c.3415G>T on transcript NM_000256.3 (MANE Select); coding-DNA position 3415, G replaced by T.
Protein change: p.Val1139Phe; replaces valine 1139 with phenylalanine.
Molecular consequence: missense variant.
Genome position (GRCh38, 1-based): chr11:47,332,889, C>A on the plus strand (G>T on the coding strand, the complement: MYBPC3 is on the minus strand). VCF-style: chr11-47332889-C-A. GRCh37 (hg19) VCF-style: chr11-47354440-C-A.
Other names: short protein forms V1139F.
Identifiers: ClinVar variation 1315421 (VCV001315421.2), dbSNP rs373519667, ClinGen allele CA380313457.
Genomic context (GRCh38, chr11:47,332,889, plus strand): 5'-AGACGGGCTCCTTGGTGGTGGCCGCTCTGTCACTAAAGCCAACCATATTCTGGCTGAAGA[C>A]GCGGAAGTAGTAGCCATTGCCAATGATGAGCTCTGGCACCACGCAGTGGGTGCGGCGGTA-3'
Protein context (NP_000247.2, residues 1129-1149): LIIGNGYYFR[Val1139Phe]FSQNMVGFSD